The following is an entry in ClinVar:

ClinVar aggregate classification (germline): Likely benign (1 of 4 stars; one submission).

Allele frequency attached by ClinVar (database versions not stated): 1000 Genomes Project 30x 0.00047; 1000 Genomes Project 0.00060; TOPMed 0.00151; ESP Exome Variant Server 0.00262; ExAC 0.00286; gnomAD 0.00301.

Submissions (3):

CeGaT Center for Human Genetics Tuebingen
Classification: Likely benign. Last evaluated: 2022-09-01. Review status: criteria provided, single submitter. Criteria: CeGaT Center For Human Genetics Tuebingen Variant Classification Criteria Version 2. Collection method: clinical testing. Allele origin: germline. Affected: yes. Observed: 1 variant allele.
Comment: SLC22A8: BP4, BS2

Dr. Peter K. Rogan Lab, Western University
No classification provided (evidence only). Condition: Clear cell carcinoma of kidney. Review status: no classification provided. Collection method: in vitro. Allele origin: not applicable. Functional consequence: retained intron. Not counted in ClinVar's aggregate classification.

Dr. Peter K. Rogan Lab, Western University
No classification provided (evidence only). Condition: Nonpapillary renal cell carcinoma. Review status: no classification provided. Collection method: in vitro. Allele origin: not applicable. Functional consequence: retained intron. Not counted in ClinVar's aggregate classification.

NM_004254.4(SLC22A8):c.1538G>A (p.Arg513Gln)

Gene: SLC22A8 (solute carrier family 22 member 8; minus strand). Cytogenetic location: 11q12.3.
Variant type: single nucleotide variant.
Coding change: c.1538G>A on transcript NM_004254.4 (MANE Select); coding-DNA position 1538, G replaced by A.
Protein change: p.Arg513Gln; replaces arginine 513 with glutamine.
Molecular consequence: missense variant.
Genome position (GRCh38, 1-based): chr11:62,993,328, C>T on the plus strand (G>A on the coding strand, the complement: SLC22A8 is on the minus strand). VCF-style: chr11-62993328-C-T. GRCh37 (hg19) VCF-style: chr11-62760800-C-T.
Other names: NC_000011.9:g.62760800C>T; c.1538G>A, p.Arg513Gln (NM_001184732.2); c.1265G>A, p.Arg422Gln (NM_001184733.2); c.1169G>A, p.Arg390Gln (NM_001184736.2); short protein forms R390Q, R422Q, R513Q.
Identifiers: ClinVar variation 2641897 (VCV002641897.25), dbSNP rs145474422, ClinGen allele CA6059592.